The following is an entry in ClinVar:

NM_001377540.1(SLMAP):c.1744G>A (p.Glu582Lys)

Gene: SLMAP (sarcolemma associated protein; plus strand). Cytogenetic location: 3p14.3.
Variant type: single nucleotide variant.
Coding change: c.1744G>A on transcript NM_001377540.1 (MANE Select); coding-DNA position 1744, G replaced by A.
Protein change: p.Glu582Lys; replaces glutamic acid 582 with lysine.
Molecular consequence: missense variant. On other transcripts: non-coding transcript variant (1).
Genome position (GRCh38, 1-based): chr3:57,912,425, G>A. VCF-style: chr3-57912425-G-A. GRCh37 (hg19) VCF-style: chr3-57898152-G-A.
Other names: c.1693G>A, p.Glu565Lys (NM_001304420.3, NM_001377541.1, NM_001377542.1); c.1579G>A, p.Glu527Lys (NM_001304421.2, NM_001377557.1, NM_001377559.1); c.295G>A, p.Glu99Lys (NM_001304422.3, NM_001311178.2); c.97G>A, p.Glu33Lys (NM_001304423.3); c.172G>A, p.Glu58Lys (NM_001311179.2, NM_001377926.1, NM_001377927.1 and 1 more transcripts); c.1765G>A, p.Glu589Lys (NM_001377538.1); c.1744G>A, p.Glu582Lys (NM_001377539.1); c.1681G>A, p.Glu561Lys (NM_001377545.1); and 8 more; short protein forms E33K, E524K, E527K, E541K, E589K, E503K, E548K, E561K.
Identifiers: ClinVar variation 3958286 (VCV003958286.1).

ClinVar aggregate classification (germline): Uncertain significance (1 of 4 stars; one submission).

Submission:

Ambry Genetics
Classification: Uncertain significance. Last evaluated: 2025-04-19. Review status: criteria provided, single submitter. Criteria: Ambry Variant Classification Scheme 2023. Collection method: clinical testing. Allele origin: germline.
Comment: The p.E548K variant (also known as c.1642G>A), located in coding exon 17 of the SLMAP gene, results from a G to A substitution at nucleotide position 1642. The glutamic acid at codon 548 is replaced by lysine, an amino acid with similar properties. This amino acid position is conserved. In addition, this alteration is predicted to be tolerated by in silico analysis. Based on the available evidence, the clinical significance of this variant remains unclear.